The following is an entry in ClinVar:

NM_001204.7(BMPR2):c.926C>T (p.Thr309Ile)

Gene: BMPR2 (bone morphogenetic protein receptor type 2; plus strand). Cytogenetic location: 2q33.2.
Variant type: single nucleotide variant.
Coding change: c.926C>T on transcript NM_001204.7 (MANE Select); coding-DNA position 926, C replaced by T.
Protein change: p.Thr309Ile; replaces threonine 309 with isoleucine.
Molecular consequence: missense variant.
Genome position (GRCh38, 1-based): chr2:202,520,160, C>T. VCF-style: chr2-202520160-C-T. GRCh37 (hg19) VCF-style: chr2-203384883-C-T.
Other names: short protein forms T309I.
Identifiers: ClinVar variation 3585268 (VCV003585268.2).

ClinVar aggregate classification (germline): Uncertain significance. Review status: criteria provided, multiple submitters, no conflicts (2 of 4 stars). 2 submissions from 2 submitters: Uncertain significance (2). Last evaluated 2025-09-20.

Conditions:
Inborn genetic diseases. Identifiers: MedGen C0950123, MeSH D030342.
Pulmonary hypertension, primary, 1 (PPH1). Also called: Pulmonary hypertension, familial primary, 1, with or without HHT. Identifiers: Orphanet 422, MedGen C4552070, MONDO:0024533, OMIM 178600.
Pulmonary venoocclusive disease 1 (PVOD1). Also called: Pulmonary venoocclusive disease 1, autosomal dominant. Identifiers: Orphanet 31837, MedGen C3887658, MONDO:0020713, OMIM 265450.

gnomAD v4.1: 2 of 1,613,360 alleles (0.00012%); highest among the groups gnomAD compares: Non-Finnish European, 0.00017%; no homozygotes.

Submissions (2):

Ambry Genetics
Classification: Uncertain significance for Inborn genetic diseases. Last evaluated: 2025-09-20. Review status: criteria provided, single submitter. Criteria: Ambry Variant Classification Scheme 2023. Collection method: clinical testing. Allele origin: germline.
Comment: The p.T309I variant (also known as c.926C>T), located in coding exon 7 of the BMPR2 gene, results from a C to T substitution at nucleotide position 926. The threonine at codon 309 is replaced by isoleucine, an amino acid with similar properties. This amino acid position is conserved. In addition, this alteration is predicted to be deleterious by in silico analysis. Based on the available evidence, the clinical significance of this variant remains unclear.

Fulgent Genetics
Classification: Uncertain significance for Pulmonary hypertension, primary, 1; Pulmonary venoocclusive disease 1. Last evaluated: 2024-03-04. Review status: criteria provided, single submitter. Criteria: ACMG Guidelines, 2015. Collection method: clinical testing. Allele origin: germline.